The following is an entry in ClinVar:

ClinVar aggregate classification (germline): Uncertain significance (1 of 4 stars; one submission).

Submission:

Labcorp Genetics (formerly Invitae), Labcorp
Classification: Uncertain significance. Last evaluated: 2022-06-23. Review status: criteria provided, single submitter. Criteria: Invitae Variant Classification Sherloc (09022015). Collection method: clinical testing. Allele origin: germline.
Comment: This variant has not been reported in the literature in individuals affected with SPPL2A-related conditions. This variant is not present in population databases (gnomAD no frequency). This sequence change replaces asparagine, which is neutral and polar, with serine, which is neutral and polar, at codon 506 of the SPPL2A protein (p.Asn506Ser). In summary, the available evidence is currently insufficient to determine the role of this variant in disease. Therefore, it has been classified as a Variant of Uncertain Significance. Algorithms developed to predict the effect of missense changes on protein structure and function output the following: SIFT: "Tolerated"; PolyPhen-2: "Benign"; Align-GVGD: "Class C0". The serine amino acid residue is found in multiple mammalian species, which suggests that this missense change does not adversely affect protein function.

NM_032802.4(SPPL2A):c.1517A>G (p.Asn506Ser)

Gene: SPPL2A (signal peptide peptidase like 2A; minus strand). Cytogenetic location: 15q21.2.
Variant type: single nucleotide variant.
Coding change: c.1517A>G on transcript NM_032802.4 (MANE Select); coding-DNA position 1517, A replaced by G.
Protein change: p.Asn506Ser; replaces asparagine 506 with serine.
Molecular consequence: missense variant.
Genome position (GRCh38, 1-based): chr15:50,707,846, T>C on the plus strand (A>G on the coding strand, the complement: SPPL2A is on the minus strand). VCF-style: chr15-50707846-T-C. GRCh37 (hg19) VCF-style: chr15-51000043-T-C.
Other names: short protein forms N506S.
Identifiers: ClinVar variation 2009835 (VCV002009835.4), dbSNP rs2542777449, ClinGen allele CA392406014.
Genomic context (GRCh38, chr15:50,707,846, plus strand): 5'-AGTTCCACATAATATTATTGCTGGACAATCTGTTCACCAGATATCACAGGGTTTTCTTCA[T>C]TTGTTGCACAATCCAAATGGTCCATCATCTAGGCATAAATAAAAGACGTTAGGAAATGCA-3'
Protein context (NP_116191.2, residues 496-516): QMMDHLDCAT[Asn506Ser]EENPVISGEQ